The following is an entry in ClinVar:

NM_153240.5(NPHP3):c.393+8del

Genes: NPHP3 (nephrocystin 3; minus strand), NPHP3-ACAD11 (NPHP3-ACAD11 readthrough (NMD candidate); minus strand), NPHP3-AS1 (NPHP3 antisense RNA 1; plus strand). Cytogenetic location: 3q22.1.
Variant type: Deletion.
Coding change: c.393+8del on transcript NM_153240.5 (MANE Select); 8 bases into the intron after coding-DNA position 393, one base deleted (C; older notation c.393+8delC).
Molecular consequence: intron variant. On other transcripts: non-coding transcript variant (2).
Genome position (GRCh38, 1-based): chr3:132,721,955, G deleted on the plus strand (C on the coding strand, the reverse complement: NPHP3 is on the minus strand); the first of 2 consecutive G bases (chr3:132,721,955-132,721,956); deleting either gives the same sequence. VCF-style (leftmost placement, unchanged base first): chr3-132721954-CG-C. GRCh37 (hg19) VCF-style: chr3-132440798-CG-C.
Identifiers: ClinVar variation 3048686 (VCV003048686.4), dbSNP rs2530519945, ClinGen allele CA2667742342.
Genomic context (GRCh38, chr3:132,721,954, plus strand): 5'-TTTGGAGAGGGAGCAGGACGGCCGTGCTTCCCAAGGGTCTCCCGGCGTCGCGGCCCAGCC[CG>C]GCGTTACCTGCAGTTCGGCCCGCAGCCGCTTGTTCTCCGTGTCCAGCTTGGCCTCGCGGC-3'

ClinVar aggregate classification (germline): Likely benign. Review status: criteria provided, single submitter (1 of 4 stars). 2 submissions from 2 submitters: Likely benign (1). 1 of the submissions does not count toward it. Last evaluated 2024-07-19.

Conditions:
NPHP3-related disorder. Also called: NPHP3-related disorders; NPHP3-related condition. Identifiers: MedGen CN379163.
Nephronophthisis. Also called: Juvenile Nephronophthisis. Identifiers: Orphanet 655, MedGen C0687120, MONDO:0019005, HP:0000090.

Submissions (2):

Labcorp Genetics (formerly Invitae), Labcorp
Classification: Likely benign for Nephronophthisis. Last evaluated: 2024-07-19. Review status: criteria provided, single submitter. Criteria: Invitae Variant Classification Sherloc (09022015). Collection method: clinical testing. Allele origin: germline.

PreventionGenetics, part of Exact Sciences
Classification: Likely benign for NPHP3-related condition. Last evaluated: 2022-06-08. Review status: no assertion criteria provided. Collection method: clinical testing. Allele origin: germline. Not counted in ClinVar's aggregate classification.
Comment: This variant is classified as likely benign based on ACMG/AMP sequence variant interpretation guidelines (Richards et al. 2015 PMID: 25741868, with internal and published modifications).